The following is an entry in ClinVar:

ClinVar aggregate classification (germline): Uncertain significance. Review status: criteria provided, multiple submitters, no conflicts (2 of 4 stars). 2 submissions from 2 submitters: Uncertain significance (2). Last evaluated 2025-04-04.

Conditions:
Inborn genetic diseases. Identifiers: MedGen C0950123, MeSH D030342.
Spastic paraplegia. Identifiers: MedGen C0037772, HP:0001258.

Allele frequency attached by ClinVar (database versions not stated): gnomAD 0.00001; TOPMed 0.00001.

Submissions (2):

Ambry Genetics
Classification: Uncertain significance for Inborn genetic diseases. Last evaluated: 2025-04-04. Review status: criteria provided, single submitter. Criteria: Ambry Variant Classification Scheme 2023. Collection method: clinical testing. Allele origin: germline.

Labcorp Genetics (formerly Invitae), Labcorp
Classification: Uncertain significance for Spastic paraplegia. Last evaluated: 2022-11-16. Review status: criteria provided, single submitter. Criteria: Invitae Variant Classification Sherloc (09022015). Collection method: clinical testing. Allele origin: germline.
Comment: In summary, the available evidence is currently insufficient to determine the role of this variant in disease. Therefore, it has been classified as a Variant of Uncertain Significance. Algorithms developed to predict the effect of missense changes on protein structure and function are either unavailable or do not agree on the potential impact of this missense change (SIFT: "Deleterious"; PolyPhen-2: "Probably Damaging"; Align-GVGD: "Class C0"). This variant has not been reported in the literature in individuals affected with RTN2-related conditions. This variant is present in population databases (rs757996406, gnomAD 0.0008%). This sequence change replaces proline, which is neutral and non-polar, with serine, which is neutral and polar, at codon 113 of the RTN2 protein (p.Pro113Ser).

NM_005619.5(RTN2):c.337C>T (p.Pro113Ser)

Genes: OPA3-RTN2 (OPA3-RTN2 readthrough; minus strand), RTN2 (reticulon 2; minus strand). Cytogenetic location: 19q13.32.
Variant type: single nucleotide variant.
Coding change: c.337C>T on transcript NM_005619.5 (MANE Select); coding-DNA position 337, C replaced by T.
Protein change: p.Pro113Ser; replaces proline 113 with serine.
Molecular consequence: missense variant.
Genome position (GRCh38, 1-based): chr19:45,494,748, G>A on the plus strand (C>T on the coding strand, the complement: RTN2 is on the minus strand). VCF-style: chr19-45494748-G-A. GRCh37 (hg19) VCF-style: chr19-45998006-G-A.
Other names: c.337C>T, p.Pro113Ser (NM_206900.3); c.337C>T (NM_005619.3); short protein forms P113S.
Identifiers: ClinVar variation 2066850 (VCV002066850.5), dbSNP rs757996406, ClinGen allele CA9516285.